The following is an entry in ClinVar:

ClinVar aggregate classification (germline): Uncertain significance. Review status: criteria provided, multiple submitters, no conflicts (2 of 4 stars). 5 submissions from 5 submitters: Uncertain significance (5). Last evaluated 2024-11-04.

Conditions:
Inborn genetic diseases. Identifiers: MedGen C0950123, MeSH D030342.

Allele frequency attached by ClinVar (database versions not stated): gnomAD exomes 0.00006 and 0.00001; gnomAD 0.00014 and 0.00012; TOPMed 0.00016; ExAC 0.00008; ESP Exome Variant Server 0.00015.
gnomAD v4.1: 41 of 1,612,976 alleles (0.0025%); highest among the groups gnomAD compares: African/African-American, 0.041%; no homozygotes.

Submissions (5):

Labcorp Genetics (formerly Invitae), Labcorp
Classification: Uncertain significance. Last evaluated: 2024-11-04. Review status: criteria provided, single submitter. Criteria: Invitae Variant Classification Sherloc (09022015). Collection method: clinical testing. Allele origin: germline.
Comment: This sequence change replaces proline, which is neutral and non-polar, with serine, which is neutral and polar, at codon 139 of the RTN4IP1 protein (p.Pro139Ser). This variant is present in population databases (rs148788441, gnomAD 0.05%). This variant has not been reported in the literature in individuals affected with RTN4IP1-related conditions. ClinVar contains an entry for this variant (Variation ID: 939084). Invitae Evidence Modeling of protein sequence and biophysical properties (such as structural, functional, and spatial information, amino acid conservation, physicochemical variation, residue mobility, and thermodynamic stability) indicates that this missense variant is not expected to disrupt RTN4IP1 protein function with a negative predictive value of 80%. In summary, the available evidence is currently insufficient to determine the role of this variant in disease. Therefore, it has been classified as a Variant of Uncertain Significance.

Mayo Clinic Laboratories, Mayo Clinic
Classification: Uncertain significance. Last evaluated: 2024-05-10. Review status: criteria provided, single submitter. Criteria: ACMG Guidelines, 2015. Collection method: clinical testing. Allele origin: germline. Observed: 1 variant allele.
Comment: BP4

Ambry Genetics
Classification: Uncertain significance for Inborn genetic diseases. Last evaluated: 2024-03-30. Review status: criteria provided, single submitter. Criteria: Ambry Variant Classification Scheme 2023. Collection method: clinical testing. Allele origin: germline.

Blueprint Genetics
Classification: Uncertain significance. Last evaluated: 2024-03-11. Review status: criteria provided, single submitter. Criteria: ACMG Guidelines, 2015. Collection method: clinical testing. Allele origin: germline.

Women's Health and Genetics/Laboratory Corporation of America, LabCorp
Classification: Uncertain significance. Last evaluated: 2023-08-16. Review status: criteria provided, single submitter. Criteria: LabCorp Variant Classification Summary - May 2015. Collection method: clinical testing. Allele origin: germline.
Comment: Variant summary: RTN4IP1 c.415C>T (p.Pro139Ser) results in a non-conservative amino acid change located in the Alcohol dehydrogenase-like, N-terminal (IPR013154) of the encoded protein sequence. Three of five in-silico tools predict a damaging effect of the variant on protein function. The variant allele was found at a frequency of 6.4e-05 in 248908 control chromosomes. To our knowledge, no occurrence of c.415C>T in individuals affected with Optic Atrophy 10 With Or Without Ataxia, Intellectual Disability, And Seizures and no experimental evidence demonstrating its impact on protein function have been reported. Two submitters have cited clinical-significance assessments for this variant to ClinVar after 2014. All submitters classified the variant as uncertain significance. Based on the evidence outlined above, the variant was classified as uncertain significance.

NM_032730.5(RTN4IP1):c.415C>T (p.Pro139Ser)

Gene: RTN4IP1 (reticulon 4 interacting protein 1; minus strand). Cytogenetic location: 6q21.
Variant type: single nucleotide variant.
Coding change: c.415C>T on transcript NM_032730.5 (MANE Select); coding-DNA position 415, C replaced by T.
Protein change: p.Pro139Ser; replaces proline 139 with serine.
Molecular consequence: missense variant.
Genome position (GRCh38, 1-based): chr6:106,622,829, G>A on the plus strand (C>T on the coding strand, the complement: RTN4IP1 is on the minus strand). VCF-style: chr6-106622829-G-A. GRCh37 (hg19) VCF-style: chr6-107070704-G-A.
Other names: p.Pro139Ser; c.115C>T, p.Pro39Ser (NM_001318746.1); short protein forms P39S, P139S.
Identifiers: ClinVar variation 939084 (VCV000939084.10), dbSNP rs148788441, ClinGen allele CA3944515.